The following is an entry in ClinVar:

NM_001001557.4(GDF6):c.950C>T (p.Ser317Leu)

Gene: GDF6 (growth differentiation factor 6; minus strand). Cytogenetic location: 8q22.1.
Variant type: single nucleotide variant.
Coding change: c.950C>T on transcript NM_001001557.4 (MANE Select); coding-DNA position 950, C replaced by T.
Protein change: p.Ser317Leu; replaces serine 317 with leucine.
Molecular consequence: missense variant.
Genome position (GRCh38, 1-based): chr8:96,144,981, G>A on the plus strand (C>T on the coding strand, the complement: GDF6 is on the minus strand). VCF-style: chr8-96144981-G-A. GRCh37 (hg19) VCF-style: chr8-97157209-G-A.
Other names: short protein forms S317L.
Identifiers: ClinVar variation 2105741 (VCV002105741.4), dbSNP rs2487829967, ClinGen allele CA371751457.

ClinVar aggregate classification (germline): Uncertain significance (1 of 4 stars; one submission).

Conditions:
Isolated microphthalmia 4. Identifiers: Orphanet 2542, MedGen C2751307, MONDO:0013130, OMIM 613094.
Microphthalmia, isolated, with coloboma 6 (MCOPCB6). Also called: Microphthalmia with coloboma 6, digenic; Microphthalmia with coloboma 6; MICROPHTHALMIA/COLOBOMA 6. Identifiers: Orphanet 98938, MedGen C3150968, MONDO:0013376, OMIM 613703.
Klippel-Feil syndrome 1, autosomal dominant (KFS1). Also called: CERVICAL VERTEBRAL FUSION, AUTOSOMAL DOMINANT. Identifiers: Orphanet 2345, MedGen C1861689, MONDO:0007306, OMIM 118100.
Leber congenital amaurosis 17 (LCA17). Identifiers: Orphanet 65, MedGen C3715164, MONDO:0014145, OMIM 615360.

Submission:

Labcorp Genetics (formerly Invitae), Labcorp
Classification: Uncertain significance for Isolated microphthalmia 4; Leber congenital amaurosis 17; Klippel-Feil syndrome 1, autosomal dominant; Microphthalmia, isolated, with coloboma 6. Last evaluated: 2022-09-22. Review status: criteria provided, single submitter. Criteria: Invitae Variant Classification Sherloc (09022015). Collection method: clinical testing. Allele origin: germline.
Comment: This sequence change replaces serine, which is neutral and polar, with leucine, which is neutral and non-polar, at codon 317 of the GDF6 protein (p.Ser317Leu). This variant is not present in population databases (gnomAD no frequency). This variant has not been reported in the literature in individuals affected with GDF6-related conditions. Algorithms developed to predict the effect of missense changes on protein structure and function output the following: SIFT: "Deleterious"; PolyPhen-2: "Benign"; Align-GVGD: "Class C0". The leucine amino acid residue is found in multiple mammalian species, which suggests that this missense change does not adversely affect protein function. In summary, the available evidence is currently insufficient to determine the role of this variant in disease. Therefore, it has been classified as a Variant of Uncertain Significance.